The following is an entry in ClinVar:

ClinVar aggregate classification (germline): Uncertain significance. Review status: criteria provided, multiple submitters, no conflicts (2 of 4 stars). 2 submissions from 2 submitters: Uncertain significance (2). Last evaluated 2026-01-14.

Conditions:
Long QT syndrome (LQTS). Identifiers: MedGen C0023976, MeSH D008133, MONDO:0002442. Disease mechanism: loss of function. Inheritance: Various modes of inheritance.

Submissions (2):

Labcorp Genetics (formerly Invitae), Labcorp
Classification: Uncertain significance for Long QT syndrome. Last evaluated: 2026-01-14. Review status: criteria provided, single submitter. Criteria: Invitae Variant Classification Sherloc (09022015). Collection method: clinical testing. Allele origin: germline.
Comment: This sequence change replaces phenylalanine, which is neutral and non-polar, with tyrosine, which is neutral and polar, at codon 848 of the KCNH2 protein (p.Phe848Tyr). This variant is not present in population databases (gnomAD no frequency). This variant has not been reported in the literature in individuals affected with KCNH2-related conditions. ClinVar contains an entry for this variant (Variation ID: 3729641). An algorithm developed to predict the effect of missense changes on protein structure and function (PolyPhen-2) suggests that this variant is likely to be disruptive. In summary, the available evidence is currently insufficient to determine the role of this variant in disease. Therefore, it has been classified as a Variant of Uncertain Significance.

GeneDx
Classification: Uncertain significance. Last evaluated: 2025-03-17. Review status: criteria provided, single submitter. Criteria: GeneDx Variant Classification Process June 2021. Collection method: clinical testing. Allele origin: germline. Affected: yes.
Comment: Not observed at significant frequency in large population cohorts (gnomAD); In silico analysis supports that this missense variant has a deleterious effect on protein structure/function; Has not been previously published as pathogenic or benign to our knowledge

NM_000238.4(KCNH2):c.2543T>A (p.Phe848Tyr)

Gene: KCNH2 (potassium voltage-gated channel subfamily H member 2; minus strand). Cytogenetic location: 7q36.1.
Variant type: single nucleotide variant.
Coding change: c.2543T>A on transcript NM_000238.4 (MANE Select); coding-DNA position 2543, T replaced by A.
Protein change: p.Phe848Tyr; replaces phenylalanine 848 with tyrosine.
Molecular consequence: missense variant. On other transcripts: non-coding transcript variant (2).
Genome position (GRCh38, 1-based): chr7:150,948,905, A>T on the plus strand (T>A on the coding strand, the complement: KCNH2 is on the minus strand). VCF-style: chr7-150948905-A-T. GRCh37 (hg19) VCF-style: chr7-150645993-A-T.
Other names: c.2255T>A, p.Phe752Tyr (NM_001406753.1); c.1523T>A, p.Phe508Tyr (NM_172057.3); c.2543T>A (NM_000238.2); short protein forms F752Y, F848Y, F508Y.
Identifiers: ClinVar variation 3729641 (VCV003729641.3).